The following is an entry in ClinVar:

ClinVar aggregate classification (germline): Uncertain significance. Review status: criteria provided, multiple submitters, no conflicts (2 of 4 stars). 2 submissions from 2 submitters: Uncertain significance (2). Last evaluated 2022-12-13.

Conditions:
Short-rib thoracic dysplasia 11 with or without polydactyly (SRTD11). Also called: SHORT-RIB THORACIC DYSPLASIA 11 WITHOUT POLYDACTYLY. Identifiers: Orphanet 474, Orphanet 93271, MedGen C3810200, MONDO:0014287, OMIM 615633.
Inborn genetic diseases. Identifiers: MedGen C0950123, MeSH D030342.

Submissions (2):

Ambry Genetics
Classification: Uncertain significance for Inborn genetic diseases. Last evaluated: 2022-12-13. Review status: criteria provided, single submitter. Criteria: Ambry Variant Classification Scheme 2023. Collection method: clinical testing. Allele origin: germline.

Labcorp Genetics (formerly Invitae), Labcorp
Classification: Uncertain significance for Short-rib thoracic dysplasia 11 with or without polydactyly. Last evaluated: 2022-10-18. Review status: criteria provided, single submitter. Criteria: Invitae Variant Classification Sherloc (09022015). Collection method: clinical testing. Allele origin: germline.
Comment: This sequence change replaces arginine, which is basic and polar, with tryptophan, which is neutral and slightly polar, at codon 113 of the WDR34 protein (p.Arg113Trp). This variant is present in population databases (rs199920288, gnomAD 0.03%). This variant has not been reported in the literature in individuals affected with WDR34-related conditions. ClinVar contains an entry for this variant (Variation ID: 1681253). Algorithms developed to predict the effect of missense changes on protein structure and function are either unavailable or do not agree on the potential impact of this missense change (SIFT: "Deleterious"; PolyPhen-2: "Possibly Damaging"; Align-GVGD: "Class C0"). In summary, the available evidence is currently insufficient to determine the role of this variant in disease. Therefore, it has been classified as a Variant of Uncertain Significance.

NM_052844.4(DYNC2I2):c.337C>T (p.Arg113Trp)

Gene: DYNC2I2 (dynein 2 intermediate chain 2; minus strand). Cytogenetic location: 9q34.11.
Variant type: single nucleotide variant.
Coding change: c.337C>T on transcript NM_052844.4 (MANE Select); coding-DNA position 337, C replaced by T.
Protein change: p.Arg113Trp; replaces arginine 113 with tryptophan.
Molecular consequence: missense variant.
Genome position (GRCh38, 1-based): chr9:128,640,789, G>A on the plus strand (C>T on the coding strand, the complement: DYNC2I2 is on the minus strand). VCF-style: chr9-128640789-G-A. GRCh37 (hg19) VCF-style: chr9-131403068-G-A.
Other names: c.337C>T (NM_052844.3); short protein forms R113W.
Identifiers: ClinVar variation 1681253 (VCV001681253.4), dbSNP rs199920288, ClinGen allele CA5266651.
Genomic context (GRCh38, chr9:128,640,789, plus strand): 5'-CAAACGCGTGGCTCTGCCAATTCTTGTTCAGCTCTCGGATGACCATGGCCTCCACTCTCC[G>A]AAGAAAGGCTGCGAGCCTGGGTATGTCATACTGGGACGGGGGCTGCACGCTGACAGGCAC-3'
Protein context (NP_443076.2, residues 103-123): YDIPRLAAFL[Arg113Trp]RVEAMVIREL